The following is an entry in ClinVar:

ClinVar aggregate classification (germline): Uncertain significance (1 of 4 stars; one submission).

gnomAD v4.1: 292 of 1,599,372 alleles (0.018%); highest among the groups gnomAD compares: Admixed American, 0.29%; no homozygotes.

Submission:

Greenwood Genetic Center Diagnostic Laboratories, Greenwood Genetic Center
Classification: Uncertain significance. Last evaluated: 2025-02-28. Review status: criteria provided, single submitter. Criteria: ACMG Guidelines, 2015. Collection method: clinical testing. Allele origin: germline.
Comment: BP4

NM_001134382.3(IQSEC1):c.1037G>A (p.Arg346Gln)

Gene: IQSEC1 (IQ motif and Sec7 domain ArfGEF 1; minus strand). Cytogenetic location: 3p25.2.
Variant type: single nucleotide variant.
Coding change: c.1037G>A on transcript NM_001134382.3 (MANE Select); coding-DNA position 1037, G replaced by A.
Protein change: p.Arg346Gln; replaces arginine 346 with glutamine.
Molecular consequence: missense variant.
Genome position (GRCh38, 1-based): chr3:12,935,979, C>T on the plus strand (G>A on the coding strand, the complement: IQSEC1 is on the minus strand). VCF-style: chr3-12935979-C-T. GRCh37 (hg19) VCF-style: chr3-12977479-C-T.
Other names: c.713G>A, p.Arg238Gln (NM_001330619.3); c.1361G>A, p.Arg454Gln (NM_001376938.2); c.1079G>A, p.Arg360Gln (NM_014869.8); short protein forms R238Q, R346Q, R360Q, R454Q.
Identifiers: ClinVar variation 4850823 (VCV004850823.1).
Genomic context (GRCh38, chr3:12,935,979, plus strand): 5'-AGCAGCGGCAGATGCTCCACCCGCAGCCGCTGCTCCTGCCGCTCCAGCGACGGCGTGCTC[C>T]GGCAGCTCGTGTCCGTGTCAGCCTTGTCCTCTTTGTGGGCCAGGGCCCAGTAGTCTGGGG-3'
Protein context (NP_001127854.1, residues 336-356): EDKADTDTSC[Arg346Gln]STPSLERQEQ